The following is an entry in ClinVar:

ClinVar aggregate classification (germline): Uncertain significance. Review status: criteria provided, multiple submitters, no conflicts (2 of 4 stars). 3 submissions from 3 submitters: Uncertain significance (3). Last evaluated 2025-10-23.

Allele frequency attached by ClinVar (database versions not stated): gnomAD exomes below 0.00001 and 0.00001; ExAC 0.00001; gnomAD 0.00001; TOPMed 0.00001; ESP Exome Variant Server 0.00008.
gnomAD v4.1: 9 of 1,597,494 alleles (0.00056%); highest among the groups gnomAD compares: Non-Finnish European, 0.00077%; no homozygotes.

Submissions (3):

Ambry Genetics
Classification: Uncertain significance. Last evaluated: 2025-10-23. Review status: criteria provided, single submitter. Criteria: Ambry Variant Classification Scheme 2023. Collection method: clinical testing. Allele origin: germline.

GeneDx
Classification: Uncertain significance. Last evaluated: 2023-12-05. Review status: criteria provided, single submitter. Criteria: GeneDx Variant Classification Process June 2021. Collection method: clinical testing. Allele origin: germline. Affected: yes.
Comment: Not observed at significant frequency in large population cohorts (gnomAD); In silico analysis, which includes protein predictors and evolutionary conservation, supports a deleterious effect; Has not been previously published as pathogenic or benign to our knowledge; Variants in candidate genes are classified as variants of uncertain significance in accordance with ACMG guidelines (PMID: 25741868); This variant is associated with the following publications: (PMID: 26455304)

Labcorp Genetics (formerly Invitae), Labcorp
Classification: Uncertain significance. Last evaluated: 2023-08-09. Review status: criteria provided, single submitter. Criteria: Invitae Variant Classification Sherloc (09022015). Collection method: clinical testing. Allele origin: germline.
Comment: In summary, the available evidence is currently insufficient to determine the role of this variant in disease. Therefore, it has been classified as a Variant of Uncertain Significance. Advanced modeling of protein sequence and biophysical properties (such as structural, functional, and spatial information, amino acid conservation, physicochemical variation, residue mobility, and thermodynamic stability) performed at Invitae indicates that this missense variant is not expected to disrupt RECQL protein function. ClinVar contains an entry for this variant (Variation ID: 1306263). This variant has not been reported in the literature in individuals affected with RECQL-related conditions. This variant is present in population databases (rs371196239, gnomAD 0.0009%). This sequence change replaces proline, which is neutral and non-polar, with threonine, which is neutral and polar, at codon 233 of the RECQL protein (p.Pro233Thr).

NM_002907.4(RECQL):c.697C>A (p.Pro233Thr)

Gene: RECQL (RecQ like helicase; minus strand). Cytogenetic location: 12p12.1.
Variant type: single nucleotide variant.
Coding change: c.697C>A on transcript NM_002907.4 (MANE Select); coding-DNA position 697, C replaced by A.
Protein change: p.Pro233Thr; replaces proline 233 with threonine.
Molecular consequence: missense variant.
Genome position (GRCh38, 1-based): chr12:21,483,379, G>T on the plus strand (C>A on the coding strand, the complement: RECQL is on the minus strand). VCF-style: chr12-21483379-G-T. GRCh37 (hg19) VCF-style: chr12-21636313-G-T.
Other names: c.697C>A, p.Pro233Thr (NM_032941.3); short protein forms P233T.
Identifiers: ClinVar variation 1306263 (VCV001306263.14), dbSNP rs371196239, ClinGen allele CA6479010.